The following is an entry in ClinVar:

ClinVar aggregate classification (germline): Pathogenic (1 of 4 stars; one submission).

Conditions:
Hereditary cancer-predisposing syndrome. Also called: Hereditary Cancer Syndrome; Tumor predisposition; Hereditary neoplastic syndrome; Neoplastic Syndromes, Hereditary. Identifiers: Orphanet 140162, MedGen C0027672, MeSH D009386, MONDO:0015356.

Submission:

Ambry Genetics
Classification: Pathogenic for Hereditary cancer-predisposing syndrome. Last evaluated: 2024-05-24. Review status: criteria provided, single submitter. Criteria: Ambry Variant Classification Scheme 2023. Collection method: clinical testing. Allele origin: germline.
Comment: The c.797delC pathogenic mutation, located in coding exon 6 of the CHEK2 gene, results from a deletion of one nucleotide at nucleotide position 797, causing a translational frameshift with a predicted alternate stop codon (p.P266Qfs*9). This variant is considered to be rare based on population cohorts in the Genome Aggregation Database (gnomAD). This alteration is expected to result in loss of function by premature protein truncation or nonsense-mediated mRNA decay. As such, this alteration is interpreted as a disease-causing mutation.

NM_007194.4(CHEK2):c.797del (p.Pro266fs)

Gene: CHEK2 (checkpoint kinase 2; minus strand). Cytogenetic location: 22q12.1.
Variant type: Deletion.
Coding change: c.797del on transcript NM_007194.4 (MANE Select); coding-DNA position 797, one base deleted (C; older notation c.797delC).
Protein change: p.Pro266fs; shifts the reading frame from proline 266.
Molecular consequence: frameshift variant.
Genome position (GRCh38, 1-based): chr22:28,710,055, G deleted on the plus strand (C on the coding strand, the reverse complement: CHEK2 is on the minus strand); the first of 3 consecutive G bases (chr22:28,710,055-28,710,057); deleting any one gives the same sequence. VCF-style (leftmost placement, unchanged base first): chr22-28710054-TG-T. GRCh37 (hg19) VCF-style: chr22-29106042-TG-T.
Other names: c.924delC, p.Pro309Glnfs (NM_001005735.3); c.132delC, p.Pro45Glnfs (NM_001257387.3); c.594delC, p.Pro199Glnfs (NM_001349956.3); c.795delC, p.Pro266Glnfs (NM_145862.3); short protein forms P199fs, P266fs, P45fs, P309fs.
Identifiers: ClinVar variation 3266959 (VCV003266959.1).